The following is an entry in ClinVar:

ClinVar aggregate classification (germline): Uncertain significance (1 of 4 stars; one submission).

Conditions:
Actin accumulation myopathy (CMYO2A). Also called: CONGENITAL MYOPATHY 2A, TYPICAL, AUTOSOMAL DOMINANT; Nemaline myopathy type 3; Myopathy, actin, congenital, with excess of thin myofilaments; Myopathy, actin, congenital, with cores; Nemaline myopathy 3, with intranuclear rods. Identifiers: Orphanet 98904, MedGen C3711389, MONDO:0008070, OMIM 161800.

Submission:

Labcorp Genetics (formerly Invitae), Labcorp
Classification: Uncertain significance for Actin accumulation myopathy. Last evaluated: 2020-02-17. Review status: criteria provided, single submitter. Criteria: Invitae Variant Classification Sherloc (09022015). Collection method: clinical testing. Allele origin: germline.
Comment: This variant is not present in population databases (ExAC no frequency). This sequence change replaces leucine with valine at codon 322 of the ACTA1 protein (p.Leu322Val). The leucine residue is highly conserved and there is a small physicochemical difference between leucine and valine. This variant has not been reported in the literature in individuals with ACTA1-related conditions. Algorithms developed to predict the effect of missense changes on protein structure and function (SIFT, PolyPhen-2, Align-GVGD) all suggest that this variant is likely to be disruptive, but these predictions have not been confirmed by published functional studies and their clinical significance is uncertain. In summary, the available evidence is currently insufficient to determine the role of this variant in disease. Therefore, it has been classified as a Variant of Uncertain Significance.

NM_001100.4(ACTA1):c.964C>G (p.Leu322Val)

Gene: ACTA1 (actin alpha 1, skeletal muscle; minus strand). Cytogenetic location: 1q42.13.
Variant type: single nucleotide variant.
Coding change: c.964C>G on transcript NM_001100.4 (MANE Select); coding-DNA position 964, C replaced by G.
Protein change: p.Leu322Val; replaces leucine 322 with valine.
Molecular consequence: missense variant.
Genome position (GRCh38, 1-based): chr1:229,431,747, G>C on the plus strand (C>G on the coding strand, the complement: ACTA1 is on the minus strand). VCF-style: chr1-229431747-G-C. GRCh37 (hg19) VCF-style: chr1-229567494-G-C.
Other names: short protein forms L322V.
Identifiers: ClinVar variation 956562 (VCV000956562.10), dbSNP rs1659940726, ClinGen allele CA345145422.